The following is an entry in ClinVar:

NM_004482.4(GALNT3):c.733A>G (p.Ile245Val)

Gene: GALNT3 (polypeptide N-acetylgalactosaminyltransferase 3; minus strand). Cytogenetic location: 2q24.3.
Variant type: single nucleotide variant.
Coding change: c.733A>G on transcript NM_004482.4 (MANE Select); coding-DNA position 733, A replaced by G.
Protein change: p.Ile245Val; replaces isoleucine 245 with valine.
Molecular consequence: missense variant.
Genome position (GRCh38, 1-based): chr2:165,762,010, T>C on the plus strand (A>G on the coding strand, the complement: GALNT3 is on the minus strand). VCF-style: chr2-165762010-T-C. GRCh37 (hg19) VCF-style: chr2-166618520-T-C.
Other names: c.733A>G (NM_004482.3); short protein forms I245V.
Identifiers: ClinVar variation 197237 (VCV000197237.11), dbSNP rs568101004, ClinGen allele CA245252.

ClinVar aggregate classification (germline): Uncertain significance. Review status: criteria provided, multiple submitters, no conflicts (2 of 4 stars). 3 submissions from 3 submitters: Uncertain significance (3). Last evaluated 2025-12-11.

Conditions:
Inborn genetic diseases. Identifiers: MedGen C0950123, MeSH D030342.

Allele frequency attached by ClinVar (database versions not stated): TOPMed below 0.00001; gnomAD 0.00001 and 0.00003; gnomAD exomes 0.00005 and 0.00010; ExAC 0.00009; 1000 Genomes Project 0.00040; 1000 Genomes Project 30x 0.00047.
gnomAD v4.1: 82 of 1,601,832 alleles (0.0051%); highest among the groups gnomAD compares: South Asian, 0.079%; 2 homozygotes.

Submissions (3):

Ambry Genetics
Classification: Uncertain significance for Inborn genetic diseases. Last evaluated: 2025-12-11. Review status: criteria provided, single submitter. Criteria: Ambry Variant Classification Scheme 2023. Collection method: clinical testing. Allele origin: germline.

Labcorp Genetics (formerly Invitae), Labcorp
Classification: Uncertain significance. Last evaluated: 2021-09-01. Review status: criteria provided, single submitter. Criteria: Invitae Variant Classification Sherloc (09022015). Collection method: clinical testing. Allele origin: germline.
Comment: This sequence change replaces isoleucine with valine at codon 245 of the GALNT3 protein (p.Ile245Val). The isoleucine residue is highly conserved and there is a small physicochemical difference between isoleucine and valine. This variant is present in population databases (rs568101004, ExAC 0.07%). This variant has not been reported in the literature in individuals affected with GALNT3-related conditions. ClinVar contains an entry for this variant (Variation ID: 197237). Algorithms developed to predict the effect of missense changes on protein structure and function (SIFT, PolyPhen-2, Align-GVGD) all suggest that this variant is likely to be tolerated. In summary, the available evidence is currently insufficient to determine the role of this variant in disease. Therefore, it has been classified as a Variant of Uncertain Significance.

Eurofins Ntd Llc (ga)
Classification: Uncertain significance. Last evaluated: 2015-06-08. Review status: criteria provided, single submitter. Criteria: EGL Classification Definitions 2015. Collection method: clinical testing. Allele origin: germline. Observed: 1 variant allele, 1 heterozygote.